The following is an entry in ClinVar:

NM_001853.4(COL9A3):c.965G>T (p.Gly322Val)

Gene: COL9A3 (collagen type IX alpha 3 chain; plus strand). Cytogenetic location: 20q13.33.
Variant type: single nucleotide variant.
Coding change: c.965G>T on transcript NM_001853.4 (MANE Select); coding-DNA position 965, G replaced by T.
Protein change: p.Gly322Val; replaces glycine 322 with valine.
Molecular consequence: missense variant.
Genome position (GRCh38, 1-based): chr20:62,828,933, G>T. VCF-style: chr20-62828933-G-T. GRCh37 (hg19) VCF-style: chr20-61460285-G-T.
Other names: c.965G>T (NM_001853.3); short protein forms G322V.
Identifiers: ClinVar variation 1383014 (VCV001383014.8), dbSNP rs753244895, ClinGen allele CA9949642.
Genomic context (GRCh38, chr20:62,828,933, plus strand): 5'-CTCCCGAGGCCTCAGCCTCCCCTTCCGCACCCCAATCTCTGTCCTCACAGGGAGAGGCTG[G>T]TCGCAACGGTGCTCCGGGAGAGAAGGGCCCCAACGGGCTGCCGGTGAGTGCCCGGCGGGT-3'
Protein context (NP_001844.3, residues 312-332): PGLDGQKGEA[Gly322Val]RNGAPGEKGP

ClinVar aggregate classification (germline): Uncertain significance. Review status: criteria provided, multiple submitters, no conflicts (2 of 4 stars). 3 submissions from 3 submitters: Uncertain significance (3). Last evaluated 2025-08-29.

Conditions:
Inborn genetic diseases. Identifiers: MedGen C0950123, MeSH D030342.

Allele frequency attached by ClinVar (database versions not stated): gnomAD 0.00001; gnomAD exomes 0.00002; ExAC 0.00003.
gnomAD v4.1: 5 of 1,611,794 alleles (0.00031%); highest among the groups gnomAD compares: Admixed American, 0.005%; 1 homozygote.

Submissions (3):

Ambry Genetics
Classification: Uncertain significance for Inborn genetic diseases. Last evaluated: 2025-08-29. Review status: criteria provided, single submitter. Criteria: Ambry Variant Classification Scheme 2023. Collection method: clinical testing. Allele origin: germline.

GeneDx
Classification: Uncertain significance. Last evaluated: 2025-06-10. Review status: criteria provided, single submitter. Criteria: GeneDx Variant Classification Process June 2021. Collection method: clinical testing. Allele origin: germline. Affected: yes.
Comment: Not observed at significant frequency in large population cohorts (gnomAD); In silico analysis supports that this missense variant has a deleterious effect on protein structure/function; Has not been previously published as pathogenic or benign to our knowledge

Labcorp Genetics (formerly Invitae), Labcorp
Classification: Uncertain significance. Last evaluated: 2025-06-09. Review status: criteria provided, single submitter. Criteria: Invitae Variant Classification Sherloc (09022015). Collection method: clinical testing. Allele origin: germline.
Comment: This sequence change replaces glycine, which is neutral and non-polar, with valine, which is neutral and non-polar, at codon 322 of the COL9A3 protein (p.Gly322Val). The frequency data for this variant in the population databases is considered unreliable, as metrics indicate poor data quality at this position in the gnomAD database. This variant has not been reported in the literature in individuals affected with COL9A3-related conditions. ClinVar contains an entry for this variant (Variation ID: 1383014). Invitae Evidence Modeling of protein sequence and biophysical properties (such as structural, functional, and spatial information, amino acid conservation, physicochemical variation, residue mobility, and thermodynamic stability) indicates that this missense variant is expected to disrupt COL9A3 protein function with a positive predictive value of 95%. In summary, the available evidence is currently insufficient to determine the role of this variant in disease. Therefore, it has been classified as a Variant of Uncertain Significance.